The following is an entry in ClinVar:

ClinVar aggregate classification (germline): Uncertain significance (1 of 4 stars; one submission).

Submission:

Labcorp Genetics (formerly Invitae), Labcorp
Classification: Uncertain significance. Last evaluated: 2022-08-09. Review status: criteria provided, single submitter. Criteria: Invitae Variant Classification Sherloc (09022015). Collection method: clinical testing. Allele origin: germline.
Comment: In summary, the available evidence is currently insufficient to determine the role of this variant in disease. Therefore, it has been classified as a Variant of Uncertain Significance. Algorithms developed to predict the effect of missense changes on protein structure and function are either unavailable or do not agree on the potential impact of this missense change (SIFT: "Deleterious"; PolyPhen-2: "Not Available"; Align-GVGD: "Class C65"). This variant has not been reported in the literature in individuals affected with CDH23-related conditions. This variant is not present in population databases (gnomAD no frequency). This sequence change replaces aspartic acid, which is acidic and polar, with glycine, which is neutral and non-polar, at codon 770 of the CDH23 protein (p.Asp770Gly).

NM_022124.6(CDH23):c.2309A>G (p.Asp770Gly)

Gene: CDH23 (cadherin related 23; plus strand). Cytogenetic location: 10q22.1.
Variant type: single nucleotide variant.
Coding change: c.2309A>G on transcript NM_022124.6 (MANE Select); coding-DNA position 2309, A replaced by G.
Protein change: p.Asp770Gly; replaces aspartic acid 770 with glycine.
Molecular consequence: missense variant.
Genome position (GRCh38, 1-based): chr10:71,695,437, A>G. VCF-style: chr10-71695437-A-G. GRCh37 (hg19) VCF-style: chr10-73455194-A-G.
Other names: c.2309A>G, p.Asp770Gly (NM_001171930.2, NM_001171931.2); short protein forms D770G.
Identifiers: ClinVar variation 1714651 (VCV001714651.5), dbSNP rs2494021659, ClinGen allele CA377136225.
Genomic context (GRCh38, chr10:71,695,437, plus strand): 5'-TCAGCTGGGTGTGTCTCCCAGCGCCCCTTATGGCTTCACAGGTAAACATCACCCTCCTGG[A>G]CATCAATGACAACCACCCCACGTGGAAGGACGCACCCTACTACATCAACCTGGTGGAGAT-3'
Protein context (NP_071407.4, residues 760-780): GIATVNITLL[Asp770Gly]INDNHPTWKD